The following is an entry in ClinVar:

ClinVar aggregate classification (germline): Uncertain significance (1 of 4 stars; one submission).

gnomAD v4.1: 3 of 1,541,786 alleles (0.00019%); highest among the groups gnomAD compares: Non-Finnish European, 0.00026%; no homozygotes.

Submission:

Labcorp Genetics (formerly Invitae), Labcorp
Classification: Uncertain significance. Last evaluated: 2025-02-26. Review status: criteria provided, single submitter. Criteria: Invitae Variant Classification Sherloc (09022015). Collection method: clinical testing. Allele origin: germline.
Comment: This sequence change replaces aspartic acid, which is acidic and polar, with glutamic acid, which is acidic and polar, at codon 21 of the PDE8B protein (p.Asp21Glu). This variant is not present in population databases (gnomAD no frequency). This variant has not been reported in the literature in individuals affected with PDE8B-related conditions. ClinVar contains an entry for this variant (Variation ID: 2778582). An algorithm developed to predict the effect of missense changes on protein structure and function outputs the following: PolyPhen-2: "Benign". The glutamic acid amino acid residue is found in multiple mammalian species, which suggests that this missense change does not adversely affect protein function. In summary, the available evidence is currently insufficient to determine the role of this variant in disease. Therefore, it has been classified as a Variant of Uncertain Significance.

NM_003719.5(PDE8B):c.63C>A (p.Asp21Glu)

Gene: PDE8B (phosphodiesterase 8B; plus strand). Cytogenetic location: 5q13.3.
Variant type: single nucleotide variant.
Coding change: c.63C>A on transcript NM_003719.5 (MANE Select); coding-DNA position 63, C replaced by A.
Protein change: p.Asp21Glu; replaces aspartic acid 21 with glutamic acid.
Molecular consequence: missense variant. On other transcripts: 5 prime UTR variant (1), intron variant (15).
Genome position (GRCh38, 1-based): chr5:77,210,988, C>A. VCF-style: chr5-77210988-C-A. GRCh37 (hg19) VCF-style: chr5-76506813-C-A.
Other names: c.63C>A, p.Asp21Glu (NM_001029851.4, NM_001029852.4, NM_001029853.4 and 7 more transcripts); c.-307C>A (NM_001349753.2); c.-34+92467C>A (NM_001414622.1, NM_001414623.1); c.36+30502C>A (NM_001349750.3, NM_001376069.1, NM_001376062.1 and 7 more transcripts); c.-34+942C>A (NM_001376067.1, NM_001376075.1); c.-31+942C>A (NM_001376068.1); short protein forms D21E.
Identifiers: ClinVar variation 2778582 (VCV002778582.3), dbSNP rs201411330, ClinGen allele CA360326450.
Genomic context (GRCh38, chr5:77,210,988, plus strand): 5'-GGGCTGCGCCCCCAGCATCCATGTCTCGCAGAGCGGCGTGATCTACTGCCGGGACTCGGA[C>A]GAGTCCAGCTCGCCCCGCCAGACCACCAGCGTGTCGCAGGGCCCGGCGGCACCCCTGCCC-3'
Protein context (NP_003710.1, residues 11-31): QSGVIYCRDS[Asp21Glu]ESSSPRQTTS